The following is an entry in ClinVar:

ClinVar aggregate classification (germline): Benign/Likely benign. Review status: criteria provided, multiple submitters, no conflicts (2 of 4 stars). 2 submissions from 2 submitters: Benign (1); Likely benign (1). Last evaluated 2025-11-26.

Conditions:
Pheochromocytoma/paraganglioma syndrome 4. Also called: CAROTID BODY TUMORS AND MULTIPLE EXTRAADRENAL PHEOCHROMOCYTOMAS; PARAGANGLIOMA, FAMILIAL MALIGNANT; PARAGANGLIOMAS, HEREDITARY EXTRAADRENAL; PHEOCHROMOCYTOMA, FAMILIAL EXTRAADRENAL; Paragangliomas 4; SDHB-Related Hereditary Paraganglioma-Pheochromocytoma Syndrome (Paragangliomas 4). Identifiers: Orphanet 29072, MedGen C1861848, MONDO:0007273, OMIM 115310.
Hereditary cancer-predisposing syndrome. Also called: Tumor predisposition; Neoplastic Syndromes, Hereditary; Hereditary neoplastic syndrome; Hereditary Cancer Syndrome. Identifiers: Orphanet 140162, MedGen C0027672, MeSH D009386, MONDO:0015356.

gnomAD v4.1: 1 of 1,613,988 alleles (0.000062%); highest among the groups gnomAD compares: Non-Finnish European, 0.000085%; no homozygotes.

Submissions (2):

Ambry Genetics
Classification: Likely benign for Hereditary cancer-predisposing syndrome. Last evaluated: 2025-11-26. Review status: criteria provided, single submitter. Criteria: Ambry Variant Classification Scheme 2023. Collection method: clinical testing. Allele origin: germline.

Myriad Genetics, Inc.
Classification: Benign for Pheochromocytoma/paraganglioma syndrome 4. Last evaluated: 2025-03-13. Review status: criteria provided, single submitter. Criteria: Myriad Autosomal Dominant, Autosomal Recessive and X-Linked Classification Criteria (2023). Collection method: clinical testing. Allele origin: unknown.
Comment: This variant is considered benign. This variant is a silent/synonymous amino acid change and it is not expected to impact splicing.

NM_003000.3(SDHB):c.612C>T (p.Asp204=)

Gene: SDHB (succinate dehydrogenase complex iron sulfur subunit B; minus strand). Cytogenetic location: 1p36.13.
Variant type: single nucleotide variant.
Coding change: c.612C>T on transcript NM_003000.3 (MANE Select); coding-DNA position 612, C replaced by T.
Protein change: p.Asp204=; no amino-acid change (aspartic acid 204 retained).
Molecular consequence: synonymous variant.
Genome position (GRCh38, 1-based): chr1:17,024,003, G>A on the plus strand (C>T on the coding strand, the complement: SDHB is on the minus strand). VCF-style: chr1-17024003-G-A. GRCh37 (hg19) VCF-style: chr1-17350498-G-A.
Other names: c.558C>T, p.Asp186= (NM_001407361.1).
Identifiers: ClinVar variation 3904663 (VCV003904663.2).